The following is an entry in ClinVar:

NM_001849.4(COL6A2):c.2806G>A (p.Ala936Thr)

Gene: COL6A2 (collagen type VI alpha 2 chain; plus strand). Cytogenetic location: 21q22.3.
Variant type: single nucleotide variant.
Coding change: c.2806G>A on transcript NM_001849.4 (MANE Select); coding-DNA position 2806, G replaced by A.
Protein change: p.Ala936Thr; replaces alanine 936 with threonine.
Molecular consequence: missense variant.
Genome position (GRCh38, 1-based): chr21:46,132,298, G>A. VCF-style: chr21-46132298-G-A. GRCh37 (hg19) VCF-style: chr21-47552212-G-A.
Other names: short protein forms A936T.
Identifiers: ClinVar variation 283658 (VCV000283658.17), dbSNP rs376173871, ClinGen allele CA10604552.

ClinVar aggregate classification (germline): Uncertain significance. Review status: criteria provided, multiple submitters, no conflicts (2 of 4 stars). 4 submissions from 4 submitters: Uncertain significance (4). Last evaluated 2025-01-25.

Conditions:
COL6A2-related disorder.
Bethlem myopathy 1A. Also called: MYOPATHY, BENIGN CONGENITAL, WITH CONTRACTURES; Bethlem myopathy 1; Bethlem Muscular Dystrophy. Identifiers: Orphanet 610, MedGen CN029274, MONDO:0024530, OMIM 158810.

Allele frequency attached by ClinVar (database versions not stated): gnomAD exomes below 0.00001; TOPMed 0.00002; gnomAD 0.00003; ESP Exome Variant Server 0.00008.
gnomAD v4.1: 15 of 1,606,042 alleles (0.00093%); highest among the groups gnomAD compares: Non-Finnish European, 0.0012%; no homozygotes.

Submissions (4):

PreventionGenetics, part of Exact Sciences
Classification: Uncertain significance for COL6A2-related condition. Last evaluated: 2025-01-25. Review status: criteria provided, single submitter. Criteria: ACMG Guidelines, 2015. Collection method: clinical testing. Allele origin: germline.
Comment: The COL6A2 c.2806G>A variant is predicted to result in the amino acid substitution p.Ala936Thr. To our knowledge, this variant has not been reported in the literature. This variant is reported in 0.00092% of alleles in individuals of European (Non-Finnish) descent in gnomAD. At this time, the clinical significance of this variant is uncertain due to the absence of conclusive functional and genetic evidence.

Labcorp Genetics (formerly Invitae), Labcorp
Classification: Uncertain significance for Bethlem myopathy 1A. Last evaluated: 2025-01-13. Review status: criteria provided, single submitter. Criteria: Invitae Variant Classification Sherloc (09022015). Collection method: clinical testing. Allele origin: germline.
Comment: This sequence change replaces alanine, which is neutral and non-polar, with threonine, which is neutral and polar, at codon 936 of the COL6A2 protein (p.Ala936Thr). This variant is not present in population databases (gnomAD no frequency). This variant has not been reported in the literature in individuals affected with COL6A2-related conditions. ClinVar contains an entry for this variant (Variation ID: 283658). Invitae Evidence Modeling of protein sequence and biophysical properties (such as structural, functional, and spatial information, amino acid conservation, physicochemical variation, residue mobility, and thermodynamic stability) indicates that this missense variant is not expected to disrupt COL6A2 protein function with a negative predictive value of 80%. In summary, the available evidence is currently insufficient to determine the role of this variant in disease. Therefore, it has been classified as a Variant of Uncertain Significance.

GeneDx
Classification: Uncertain significance. Last evaluated: 2022-09-06. Review status: criteria provided, single submitter. Criteria: GeneDx Variant Classification Process June 2021. Collection method: clinical testing. Allele origin: germline. Affected: yes.
Comment: Reported in an individual with leukemia, but additional clinical or segregation information was not provided and this individual was also reported to have multiple variants in other genes (Kiel et al., 2015); Not observed at significant frequency in large population cohorts (gnomAD); In silico analysis supports that this missense variant does not alter protein structure/function; This variant is associated with the following publications: (PMID: 30564623, 26415585)

Eurofins Ntd Llc (ga)
Classification: Uncertain significance. Last evaluated: 2015-09-25. Review status: criteria provided, single submitter. Criteria: EGL Classification Definitions 2015. Collection method: clinical testing. Allele origin: germline. Observed: 1 variant allele, 1 heterozygote.